The following is an entry in ClinVar:

NM_201378.4(PLEC):c.15G>T (p.Leu5=)

Gene: PLEC (plectin; minus strand). Cytogenetic location: 8q24.3.
Variant type: single nucleotide variant.
Coding change: c.15G>T on transcript NM_201378.4 (MANE Plus Clinical); coding-DNA position 15, G replaced by T.
Protein change: p.Leu5=; no amino-acid change (leucine 5 retained).
Molecular consequence: synonymous variant. On other transcripts: intron variant (2).
Genome position (GRCh38, 1-based): chr8:143,973,458, C>A on the plus strand (G>T on the coding strand, the complement: PLEC is on the minus strand). VCF-style: chr8-143973458-C-A. GRCh37 (hg19) VCF-style: chr8-145047626-C-A.
Other names: c.193+1719G>T (NM_001410941.1, NM_000445.5).
Identifiers: ClinVar variation 1110898 (VCV001110898.10), dbSNP rs1439509657, ClinGen allele CA463411401.
Genomic context (GRCh38, chr8:143,973,458, plus strand): 5'-CGTACCTTTGTACTTCTCGCGCACCTCCTCGTAGGCCTGGATGAAGTCCTGCTCGTCGGG[C>A]AGCGGGCCGGCCATGCCGGCGGGCGCGGGGCGCGGGGTGCAGCGGAGCCTCCAGCACCCG-3'
Protein context (NP_958780.1, residues 1-15): MAGP[Leu5=]PDEQDFIQAY

ClinVar aggregate classification (germline): Likely benign. Review status: criteria provided, single submitter (1 of 4 stars). 2 submissions from 2 submitters: Likely benign (1). 1 of the submissions does not count toward it. Last evaluated 2023-08-17.

Conditions:
Epidermolysis bullosa simplex with nail dystrophy (EBS5D). Identifiers: MedGen C4225309, MONDO:0014661, OMIM 616487.
Autosomal recessive limb-girdle muscular dystrophy type 2Q (LGMDR17). Also called: MUSCULAR DYSTROPHY, LIMB-GIRDLE, AUTOSOMAL RECESSIVE 17. Identifiers: Orphanet 254361, MedGen C3150989, MONDO:0013390, OMIM 613723.
Epidermolysis bullosa simplex, Ogna type (EBS5A). Also called: Pidermolysis bullosa simplex 5A, Ogna type; EPIDERMOLYSIS BULLOSA SIMPLEX 5A, OGNA TYPE. Identifiers: Orphanet 79401, MedGen C0432317, MONDO:0007555, OMIM 131950.
Epidermolysis bullosa simplex 5B, with muscular dystrophy (EBS5B). Also called: Epidermolysis bullosa simplex with muscular dystrophy; EPIDERMOLYSIS BULLOSA SIMPLEX AND LIMB-GIRDLE MUSCULAR DYSTROPHY. Identifiers: Orphanet 257, MedGen C2931072, MONDO:0009181, OMIM 226670.
Epidermolysis bullosa simplex 5C, with pyloric atresia (EBS5C). Also called: PLEC-Related Epidermolysis Bullosa with Pyloric Atresia; Epidermolysis bullosa simplex with pyloric atresia; PLEC1-Related Epidermolysis Bullosa with Pyloric Atresia. Identifiers: Orphanet 158684, MedGen C2677349, MONDO:0012807, OMIM 612138.
PLEC-related disorder. Also called: PLEC-related condition; PLEC-related disorders.

Allele frequency attached by ClinVar (database versions not stated): gnomAD exomes 0.00002; TOPMed 0.00002; gnomAD 0.00001.
gnomAD v4.1: 9 of 1,517,186 alleles (0.00059%); highest among the groups gnomAD compares: Admixed American, 0.014%; no homozygotes.

Submissions (2):

Labcorp Genetics (formerly Invitae), Labcorp
Classification: Likely benign for Autosomal recessive limb-girdle muscular dystrophy type 2Q; Epidermolysis bullosa simplex, Ogna type; Epidermolysis bullosa simplex with nail dystrophy; Epidermolysis bullosa simplex 5C, with pyloric atresia; Epidermolysis bullosa simplex 5B, with muscular dystrophy. Last evaluated: 2023-08-17. Review status: criteria provided, single submitter. Criteria: Invitae Variant Classification Sherloc (09022015). Collection method: clinical testing. Allele origin: germline.

PreventionGenetics, part of Exact Sciences
Classification: Likely benign for PLEC-related condition. Last evaluated: 2020-01-08. Review status: no assertion criteria provided. Collection method: clinical testing. Allele origin: germline. Not counted in ClinVar's aggregate classification.
Comment: This variant is classified as likely benign based on ACMG/AMP sequence variant interpretation guidelines (Richards et al. 2015 PMID: 25741868, with internal and published modifications).